The following is an entry in ClinVar:

ClinVar aggregate classification (germline): Benign/Likely benign. Review status: criteria provided, multiple submitters, no conflicts (2 of 4 stars). 3 submissions from 3 submitters: Benign (1); Likely benign (2). Last evaluated 2026-01-26.

Conditions:
Familial thoracic aortic aneurysm and aortic dissection (TAAD). Also called: Thoracic aortic aneurysms and dissections. Identifiers: Orphanet 91387, MedGen C4707243, MONDO:0019625.
Marfan syndrome (MFS). Also called: Marfan syndrome, classic; Marfan syndrome type 1; Marfan's syndrome; FBN1-Related Marfan Syndrome; MARFAN SYNDROME, TYPE I. Identifiers: Orphanet 284963, Orphanet 558, MedGen C0024796, MONDO:0007947, OMIM 154700.

Allele frequency attached by ClinVar (database versions not stated): gnomAD 0.00001 and below 0.00001; ExAC 0.00005; gnomAD exomes 0.00002 and 0.00004.
gnomAD v4.1: 32 of 1,610,314 alleles (0.002%); highest among the groups gnomAD compares: South Asian, 0.031%; no homozygotes.

Submissions (3):

Labcorp Genetics (formerly Invitae), Labcorp
Classification: Likely benign for Marfan syndrome; Familial thoracic aortic aneurysm and aortic dissection. Last evaluated: 2026-01-26. Review status: criteria provided, single submitter. Criteria: Invitae Variant Classification Sherloc (09022015). Collection method: clinical testing. Allele origin: germline.

Blueprint Genetics
Classification: Likely benign. Last evaluated: 2021-11-02. Review status: criteria provided, single submitter. Criteria: ACMG Guidelines, 2015. Collection method: clinical testing. Allele origin: germline.

Women's Health and Genetics/Laboratory Corporation of America, LabCorp
Classification: Benign. Last evaluated: 2019-11-18. Review status: criteria provided, single submitter. Criteria: LabCorp Variant Classification Summary - May 2015. Collection method: clinical testing. Allele origin: germline.
Comment: Variant summary: FBN1 c.7699+18C>T alters a non-conserved nucleotide located close to a canonical splice site and therefore could affect mRNA splicing, leading to a significantly altered protein sequence. 5/5 computational tools predict no significant impact on normal splicing. However, these predictions have yet to be confirmed by functional studies. The variant allele was found at a frequency of 4.5e-05 in 246724 control chromosomes, predominantly at a frequency of 0.00037 within the South Asian subpopulation in the gnomAD database. The observed variant frequency within South Asian control individuals in the gnomAD database is approximately 3-fold of the estimated maximal expected allele frequency for a pathogenic variant in FBN1 causing Marfan Syndrome phenotype (0.00011), strongly suggesting that the variant is a benign polymorphism found primarily in populations of South Asian origin. To our knowledge, no occurrence of c.7699+18C>T in individuals affected with Marfan Syndrome and no experimental evidence demonstrating its impact on protein function have been reported. No clinical diagnostic laboratories have submitted clinical-significance assessments for this variant to ClinVar after 2014. Based on the evidence outlined above, the variant was classified as benign.

NM_000138.5(FBN1):c.7699+18C>T

Gene: FBN1 (fibrillin 1; minus strand). Cytogenetic location: 15q21.1.
Variant type: single nucleotide variant.
Coding change: c.7699+18C>T on transcript NM_000138.5 (MANE Select); 18 bases into the intron after coding-DNA position 7699, C replaced by T.
Molecular consequence: intron variant.
Genome position (GRCh38, 1-based): chr15:48,421,540, G>A on the plus strand (C>T on the coding strand, the complement: FBN1 is on the minus strand). VCF-style: chr15-48421540-G-A. GRCh37 (hg19) VCF-style: chr15-48713737-G-A.
Identifiers: ClinVar variation 929147 (VCV000929147.9), dbSNP rs753819758, ClinGen allele CA058997.